The following is an entry in ClinVar:

ClinVar aggregate classification (germline): Uncertain significance. Review status: criteria provided, multiple submitters, no conflicts (2 of 4 stars). 2 submissions from 2 submitters: Uncertain significance (2). Last evaluated 2024-05-29.

Conditions:
Hereditary cancer-predisposing syndrome. Also called: Tumor predisposition; Neoplastic Syndromes, Hereditary; Hereditary Cancer Syndrome; Hereditary neoplastic syndrome. Identifiers: Orphanet 140162, MedGen C0027672, MeSH D009386, MONDO:0015356.

gnomAD v4.1: 4 of 1,614,134 alleles (0.00025%); highest among the groups gnomAD compares: East Asian, 0.0022%; no homozygotes.

Submissions (2):

Ambry Genetics
Classification: Uncertain significance for Hereditary cancer-predisposing syndrome. Last evaluated: 2024-05-29. Review status: criteria provided, single submitter. Criteria: Ambry Variant Classification Scheme 2023. Collection method: clinical testing. Allele origin: germline.
Comment: The p.M208V variant (also known as c.622A>G), located in coding exon 5 of the SMARCB1 gene, results from an A to G substitution at nucleotide position 622. The methionine at codon 208 is replaced by valine, an amino acid with highly similar properties. This amino acid position is conserved. In addition, this alteration is predicted to be deleterious by in silico analysis. Based on the available evidence, the clinical significance of this variant remains unclear.

Labcorp Genetics (formerly Invitae), Labcorp
Classification: Uncertain significance. Last evaluated: 2021-11-22. Review status: criteria provided, single submitter. Criteria: Invitae Variant Classification Sherloc (09022015). Collection method: clinical testing. Allele origin: germline.
Comment: In summary, the available evidence is currently insufficient to determine the role of this variant in disease. Therefore, it has been classified as a Variant of Uncertain Significance. Algorithms developed to predict the effect of missense changes on protein structure and function (SIFT, PolyPhen-2, Align-GVGD) all suggest that this variant is likely to be tolerated. This variant has not been reported in the literature in individuals affected with SMARCB1-related conditions. This variant is not present in population databases (gnomAD no frequency). This sequence change replaces methionine, which is neutral and non-polar, with valine, which is neutral and non-polar, at codon 208 of the SMARCB1 protein (p.Met208Val).

NM_003073.5(SMARCB1):c.622A>G (p.Met208Val)

Gene: SMARCB1 (SWI/SNF related BAF chromatin remodeling complex subunit B1; plus strand). Cytogenetic location: 22q11.23.
Variant type: single nucleotide variant.
Coding change: c.622A>G on transcript NM_003073.5 (MANE Select); coding-DNA position 622, A replaced by G.
Protein change: p.Met208Val; replaces methionine 208 with valine.
Molecular consequence: missense variant.
Genome position (GRCh38, 1-based): chr22:23,803,416, A>G. VCF-style: chr22-23803416-A-G. GRCh37 (hg19) VCF-style: chr22-24145603-A-G.
Other names: c.595A>G, p.Met199Val (NM_001007468.3); c.649A>G, p.Met217Val (NM_001317946.2); c.676A>G, p.Met226Val (NM_001362877.2); c.622A>G (NM_003073.3); short protein forms M226V, M208V, M199V, M217V.
Identifiers: ClinVar variation 1383821 (VCV001383821.7), dbSNP rs1457130071, ClinGen allele CA410936034.